The following is an entry in ClinVar:

ClinVar aggregate classification (germline): Conflicting classifications of pathogenicity. Review status: criteria provided, conflicting classifications (1 of 4 stars). 5 submissions from 5 submitters: Uncertain significance (3); Likely benign (2). Last evaluated 2026-09-25.

Conditions:
Inborn genetic diseases. Identifiers: MedGen C0950123, MeSH D030342.
Neuropathy, hereditary sensory, type 1F. Also called: Hereditary sensory neuropathy type IF; HSN IF. Identifiers: Orphanet 36386, MedGen C3810194, MONDO:0014286, OMIM 615632.

Allele frequency attached by ClinVar (database versions not stated): TOPMed 0.00005; gnomAD 0.00006 and 0.00007; ExAC 0.00007.
gnomAD v4.1: 109 of 1,604,046 alleles (0.0068%); highest among the groups gnomAD compares: Middle Eastern, 0.053%; no homozygotes.

Submissions (5):

GeneDx
Classification: Uncertain significance. Last evaluated: 2026-09-25. Review status: criteria provided, single submitter. Criteria: GeneDx Variant Classification Process June 2021. Collection method: clinical testing. Allele origin: germline.
Comment: In silico analysis supports that this missense variant has a deleterious effect on protein structure/function; Has not been previously published as pathogenic or benign to our knowledge

Labcorp Genetics (formerly Invitae), Labcorp
Classification: Uncertain significance for Neuropathy, hereditary sensory, type 1F. Last evaluated: 2026-01-16. Review status: criteria provided, single submitter. Criteria: Invitae Variant Classification Sherloc (09022015). Collection method: clinical testing. Allele origin: germline.
Comment: This sequence change replaces arginine, which is basic and polar, with histidine, which is basic and polar, at codon 194 of the ATL3 protein (p.Arg194His). This variant is present in population databases (rs750850786, gnomAD 0.01%). This missense change has been observed in individual(s) with clinical features of ATL3-related conditions (internal data). ClinVar contains an entry for this variant (Variation ID: 541677). Invitae Evidence Modeling of protein sequence and biophysical properties (such as structural, functional, and spatial information, amino acid conservation, physicochemical variation, residue mobility, and thermodynamic stability) indicates that this missense variant is expected to disrupt ATL3 protein function with a positive predictive value of 80%. In summary, the available evidence is currently insufficient to determine the role of this variant in disease. Therefore, it has been classified as a Variant of Uncertain Significance.

CeGaT Center for Human Genetics Tuebingen
Classification: Likely benign. Last evaluated: 2025-07-01. Review status: criteria provided, single submitter. Criteria: CeGaT Center For Human Genetics Tuebingen Variant Classification Criteria Version 2. Collection method: clinical testing. Allele origin: germline. Affected: yes. Observed: 1 variant allele.
Comment: ATL3: BS2

Ambry Genetics
Classification: Likely benign for Inborn genetic diseases. Last evaluated: 2020-12-07. Review status: criteria provided, single submitter. Criteria: Ambry Variant Classification Scheme 2023. Collection method: clinical testing. Allele origin: germline.

Department of Pathology and Laboratory Medicine, Sinai Health System
Classification: Uncertain significance for neuropathy, hereditary sensory, type 1F. Last evaluated: 2020-08-17. Review status: criteria provided, single submitter. Criteria: ACMG Guidelines, 2015. Collection method: research. Allele origin: germline.

NM_015459.5(ATL3):c.581G>A (p.Arg194His)

Genes: ATL3 (atlastin GTPase 3; minus strand), LNCROPM (lncRNA regulator of PLAAT3 mediated phospholipid metabolism; plus strand). Cytogenetic location: 11q13.1.
Variant type: single nucleotide variant.
Coding change: c.581G>A on transcript NM_015459.5 (MANE Select); coding-DNA position 581, G replaced by A.
Protein change: p.Arg194His; replaces arginine 194 with histidine.
Molecular consequence: missense variant.
Genome position (GRCh38, 1-based): chr11:63,646,544, C>T on the plus strand (G>A on the coding strand, the complement: ATL3 is on the minus strand). VCF-style: chr11-63646544-C-T. GRCh37 (hg19) VCF-style: chr11-63414016-C-T.
Other names: c.527G>A, p.Arg176His (NM_001290048.2); short protein forms R176H, R194H.
Identifiers: ClinVar variation 541677 (VCV000541677.22), dbSNP rs750850786, ClinGen allele CA6063742.
Genomic context (GRCh38, chr11:63,646,544, plus strand): 5'-ATATTTAAAATAAATATTCTAACCTGGAAAGGCTTTTGGAAAATTTCATCCATTGCCAGA[C>T]GACCGTATTCTGTGAAGAGCTTTAAAAAAGAAGCATTATGGTTTGTAAAGCAAAATTACT-3'
Protein context (NP_056274.3, residues 184-204): QQLQLFTEYG[Arg194His]LAMDEIFQKP